The following is an entry in ClinVar:

ClinVar aggregate classification (germline): Uncertain significance (1 of 4 stars; one submission).

Conditions:
PURA-related severe neonatal hypotonia-seizures-encephalopathy syndrome (NEDRIHF). Also called: NEURODEVELOPMENTAL DISORDER WITH NEONATAL RESPIRATORY INSUFFICIENCY, HYPOTONIA, AND FEEDING DIFFICULTIES; PURA-Related Neurodevelopmental Disorders. Identifiers: Orphanet 438213, Orphanet 438216, MedGen C4015357, MONDO:1060108, OMIM 616158, MONDO:0018580.

Submission:

Labcorp Genetics (formerly Invitae), Labcorp
Classification: Uncertain significance for PURA-related severe neonatal hypotonia-seizures-encephalopathy syndrome. Last evaluated: 2021-10-25. Review status: criteria provided, single submitter. Criteria: Invitae Variant Classification Sherloc (09022015). Collection method: clinical testing. Allele origin: germline.
Comment: In summary, the available evidence is currently insufficient to determine the role of this variant in disease. Therefore, it has been classified as a Variant of Uncertain Significance. Algorithms developed to predict the effect of missense changes on protein structure and function output the following: SIFT: "Tolerated"; PolyPhen-2: "Not Available"; Align-GVGD: "Class C0". The serine amino acid residue is found in multiple mammalian species, which suggests that this missense change does not adversely affect protein function. This variant has not been reported in the literature in individuals affected with PURA-related conditions. The frequency data for this variant in the population databases is considered unreliable, as metrics indicate insufficient coverage at this position in the gnomAD database. This sequence change replaces glycine, which is neutral and non-polar, with serine, which is neutral and polar, at codon 19 of the PURA protein (p.Gly19Ser).

NM_005859.5(PURA):c.55G>A (p.Gly19Ser)

Gene: PURA (purine rich element binding protein A; plus strand). Cytogenetic location: 5q31.3.
Variant type: single nucleotide variant.
Coding change: c.55G>A on transcript NM_005859.5 (MANE Select); coding-DNA position 55, G replaced by A.
Protein change: p.Gly19Ser; replaces glycine 19 with serine.
Molecular consequence: missense variant.
Genome position (GRCh38, 1-based): chr5:140,114,236, G>A. VCF-style: chr5-140114236-G-A. GRCh37 (hg19) VCF-style: chr5-139493821-G-A.
Other names: short protein forms G19S.
Identifiers: ClinVar variation 1389240 (VCV001389240.6), dbSNP rs2126748559, ClinGen allele CA361489115.